The following is an entry in ClinVar:

ClinVar aggregate classification (germline): Uncertain significance (1 of 4 stars; one submission).

Conditions:
Multiple congenital anomalies-hypotonia-seizures syndrome 1 (MCAHS1). Also called: PIGN-CDG; Congenital disorder of glycosylation due to PIGN deficiency; GLYCOSYLPHOSPHATIDYLINOSITOL BIOSYNTHESIS DEFECT 3. Identifiers: Orphanet 280633, MedGen C3279775, MONDO:0013563, OMIM 614080.

Allele frequency attached by ClinVar (database versions not stated): gnomAD exomes below 0.00001; ExAC 0.00001.
gnomAD v4.1: 1 of 1,612,100 alleles (0.000062%); highest among the groups gnomAD compares: South Asian, 0.0011%; no homozygotes.

Submission:

Labcorp Genetics (formerly Invitae), Labcorp
Classification: Uncertain significance for Multiple congenital anomalies-hypotonia-seizures syndrome 1. Last evaluated: 2024-01-15. Review status: criteria provided, single submitter. Criteria: Invitae Variant Classification Sherloc (09022015). Collection method: clinical testing. Allele origin: germline.
Comment: This sequence change replaces histidine, which is basic and polar, with arginine, which is basic and polar, at codon 263 of the PIGN protein (p.His263Arg). This variant is present in population databases (rs769911366, gnomAD 0.003%). This variant has not been reported in the literature in individuals affected with PIGN-related conditions. ClinVar contains an entry for this variant (Variation ID: 964945). Advanced modeling of protein sequence and biophysical properties (such as structural, functional, and spatial information, amino acid conservation, physicochemical variation, residue mobility, and thermodynamic stability) performed at Invitae indicates that this missense variant is expected to disrupt PIGN protein function with a positive predictive value of 80%. In summary, the available evidence is currently insufficient to determine the role of this variant in disease. Therefore, it has been classified as a Variant of Uncertain Significance.

NM_176787.5(PIGN):c.788A>G (p.His263Arg)

Gene: PIGN (phosphatidylinositol glycan anchor biosynthesis class N; minus strand). Cytogenetic location: 18q21.33.
Variant type: single nucleotide variant.
Coding change: c.788A>G on transcript NM_176787.5 (MANE Select); coding-DNA position 788, A replaced by G.
Protein change: p.His263Arg; replaces histidine 263 with arginine.
Molecular consequence: missense variant.
Genome position (GRCh38, 1-based): chr18:62,146,988, T>C on the plus strand (A>G on the coding strand, the complement: PIGN is on the minus strand). VCF-style: chr18-62146988-T-C. GRCh37 (hg19) VCF-style: chr18-59814221-T-C.
Other names: c.788A>G, p.His263Arg (NM_012327.6); short protein forms H263R.
Identifiers: ClinVar variation 964945 (VCV000964945.9), dbSNP rs769911366, ClinGen allele CA8982501.
Genomic context (GRCh38, chr18:62,146,988, plus strand): 5'-CTACTTTAATTGTAAGGTACATATCAATTAAAGACACACTAACCCCAGTCTGTCATTCCA[T>C]GGTCAGAGGTAAAGATAAATGTTGTTTTCCCATCATTTCCATAGAAGTGGTTAAACATAG-3'
Protein context (NP_789744.1, residues 253-273): GKTTFIFTSD[His263Arg]GMTDWGSHGA